The following is an entry in ClinVar:

ClinVar aggregate classification (germline): Uncertain significance. Review status: criteria provided, multiple submitters, no conflicts (2 of 4 stars). 3 submissions from 3 submitters: Uncertain significance (3). Last evaluated 2025-08-11.

Conditions:
Familial cancer of breast. Also called: BREAST CANCER, FAMILIAL; Hereditary breast cancer; hereditary breast carcinoma. Identifiers: Orphanet 227535, MedGen C0346153, MONDO:0016419, OMIM 114480. Disease mechanism: loss of function.
Fanconi anemia complementation group J. Also called: BRIP1-Related Fanconi Anemia. Identifiers: Orphanet 84, MedGen C1836860, MONDO:0012187, OMIM 609054.
Hereditary cancer-predisposing syndrome. Also called: Hereditary Cancer Syndrome; Neoplastic Syndromes, Hereditary; Tumor predisposition; Hereditary neoplastic syndrome. Identifiers: Orphanet 140162, MedGen C0027672, MeSH D009386, MONDO:0015356.

Allele frequency attached by ClinVar (database versions not stated): TOPMed below 0.00001; gnomAD 0.00001.
gnomAD v4.1: 1 of 1,613,486 alleles (0.000062%); highest among the groups gnomAD compares: African/African-American, 0.0013%; no homozygotes.

Submissions (3):

Labcorp Genetics (formerly Invitae), Labcorp
Classification: Uncertain significance for Familial cancer of breast; Fanconi anemia complementation group J. Last evaluated: 2025-08-11. Review status: criteria provided, single submitter. Criteria: Invitae Variant Classification Sherloc (09022015). Collection method: clinical testing. Allele origin: germline.
Comment: This sequence change replaces isoleucine, which is neutral and non-polar, with valine, which is neutral and non-polar, at codon 398 of the BRIP1 protein (p.Ile398Val). This variant is not present in population databases (gnomAD no frequency). This variant has not been reported in the literature in individuals affected with BRIP1-related conditions. ClinVar contains an entry for this variant (Variation ID: 187745). Invitae Evidence Modeling of protein sequence and biophysical properties (such as structural, functional, and spatial information, amino acid conservation, physicochemical variation, residue mobility, and thermodynamic stability) has been performed for this missense variant. However, the output from this modeling did not meet the statistical confidence thresholds required to predict the impact of this variant on BRIP1 protein function. In summary, the available evidence is currently insufficient to determine the role of this variant in disease. Therefore, it has been classified as a Variant of Uncertain Significance.

Ambry Genetics
Classification: Uncertain significance for Hereditary cancer-predisposing syndrome. Last evaluated: 2025-07-17. Review status: criteria provided, single submitter. Criteria: Ambry Variant Classification Scheme 2023. Collection method: clinical testing. Allele origin: germline.
Comment: The p.I398V variant (also known as c.1192A>G), located in coding exon 8 of the BRIP1 gene, results from an A to G substitution at nucleotide position 1192. The isoleucine at codon 398 is replaced by valine, an amino acid with highly similar properties. This amino acid position is highly conserved in available vertebrate species. In addition, the in silico prediction for this alteration is inconclusive. Since supporting evidence is limited at this time, the clinical significance of this alteration remains unclear.

Color Diagnostics, LLC DBA Color Health
Classification: Uncertain significance for Hereditary cancer-predisposing syndrome. Last evaluated: 2024-03-06. Review status: criteria provided, single submitter. Criteria: ACMG Guidelines, 2015. Collection method: clinical testing. Allele origin: germline.
Comment: This missense variant replaces isoleucine with valine at codon 398 of the BRIP1 protein. Computational prediction suggests that this variant may not impact protein structure and function (internally defined REVEL score threshold <= 0.5, PMID: 27666373). To our knowledge, functional studies have not been reported for this variant. This variant has not been reported in individuals affected with hereditary cancer in the literature. This variant has not been identified in the general population by the Genome Aggregation Database (gnomAD). The available evidence is insufficient to determine the role of this variant in disease conclusively. Therefore, this variant is classified as a Variant of Uncertain Significance.

NM_032043.3(BRIP1):c.1192A>G (p.Ile398Val)

Gene: BRIP1 (BRCA1 interacting DNA helicase 1; minus strand). Cytogenetic location: 17q23.2.
Variant type: single nucleotide variant.
Coding change: c.1192A>G on transcript NM_032043.3 (MANE Select); coding-DNA position 1192, A replaced by G.
Protein change: p.Ile398Val; replaces isoleucine 398 with valine.
Molecular consequence: missense variant.
Genome position (GRCh38, 1-based): chr17:61,799,248, T>C on the plus strand (A>G on the coding strand, the complement: BRIP1 is on the minus strand). VCF-style: chr17-61799248-T-C. GRCh37 (hg19) VCF-style: chr17-59876609-T-C.
Other names: short protein forms I398V.
Identifiers: ClinVar variation 187745 (VCV000187745.19), dbSNP rs786203967, ClinGen allele CA198460.